The following is an entry in ClinVar:

ClinVar aggregate classification (germline): Uncertain significance. Review status: criteria provided, multiple submitters, no conflicts (2 of 4 stars). 4 submissions from 4 submitters: Uncertain significance (4). Last evaluated 2025-11-12.

Conditions:
Inborn genetic diseases. Identifiers: MedGen C0950123, MeSH D030342.
Hereditary spherocytosis type 1. Also called: Spherocytosis type 1; ANK1-Related Spherocytosis. Identifiers: Orphanet 822, MedGen C2674218, MONDO:0008447, OMIM 182900.

Allele frequency attached by ClinVar (database versions not stated): gnomAD exomes 0.00004; ExAC 0.00005; ESP Exome Variant Server 0.00023.
gnomAD v4.1: 115 of 1,613,732 alleles (0.0071%); highest among the groups gnomAD compares: African/African-American, 0.016%; no homozygotes.

Submissions (4):

Ambry Genetics
Classification: Uncertain significance for Inborn genetic diseases. Last evaluated: 2025-11-12. Review status: criteria provided, single submitter. Criteria: Ambry Variant Classification Scheme 2023. Collection method: clinical testing. Allele origin: germline.

Revvity Omics, Revvity
Classification: Uncertain significance for Hereditary spherocytosis type 1. Last evaluated: 2022-05-24. Review status: criteria provided, single submitter. Criteria: ACMG Guidelines, 2015. Collection method: clinical testing. Allele origin: germline.

GeneDx
Classification: Uncertain significance. Last evaluated: 2020-02-04. Review status: criteria provided, single submitter. Criteria: GeneDx Variant Classification Process June 2021. Collection method: clinical testing. Allele origin: germline. Affected: yes.
Comment: Has not been previously published as pathogenic or benign to our knowledge; In silico analysis supports that this missense variant does not alter protein structure/function

Mayo Clinic Laboratories, Mayo Clinic
Classification: Uncertain significance. Last evaluated: 2019-10-04. Review status: criteria provided, single submitter. Criteria: ACMG Guidelines, 2015. Collection method: clinical testing. Allele origin: germline. Observed: 1 variant allele.

NM_000037.4(ANK1):c.4472G>A (p.Arg1491His)

Genes: ANK1 (ankyrin 1; minus strand), LOC126860368 (BRD4-independent group 4 enhancer GRCh37_chr8:41541049-41542248; plus strand). Cytogenetic location: 8p11.21.
Variant type: single nucleotide variant.
Coding change: c.4472G>A on transcript NM_000037.4 (MANE Select); coding-DNA position 4472, G replaced by A.
Protein change: p.Arg1491His; replaces arginine 1491 with histidine.
Molecular consequence: missense variant.
Genome position (GRCh38, 1-based): chr8:41,684,609, C>T on the plus strand (G>A on the coding strand, the complement: ANK1 is on the minus strand). VCF-style: chr8-41684609-C-T. GRCh37 (hg19) VCF-style: chr8-41542127-C-T.
Other names: c.4595G>A, p.Arg1532His (NM_001142446.2); c.4472G>A, p.Arg1491His (NM_020475.3, NM_020476.3, NM_020477.3); short protein forms R1491H, R1532H.
Identifiers: ClinVar variation 1163880 (VCV001163880.11), dbSNP rs372878614, ClinGen allele CA4727543.